The following is an entry in ClinVar:

NM_213599.3(ANO5):c.-217G>T

Gene: ANO5 (anoctamin 5; plus strand). Cytogenetic location: 11p14.3.
Variant type: single nucleotide variant.
Coding change: c.-217G>T on transcript NM_213599.3 (MANE Select); 217 bases upstream of the start codon, G replaced by T.
Molecular consequence: 5 prime UTR variant.
Genome position (GRCh38, 1-based): chr11:22,193,276, G>T. VCF-style: chr11-22193276-G-T. GRCh37 (hg19) VCF-style: chr11-22214822-G-T.
Other names: c.-217G>T (NM_001142649.2).
Identifiers: ClinVar variation 304090 (VCV000304090.9), dbSNP rs73479393, ClinGen allele CA10630606.

ClinVar aggregate classification (germline): Benign/Likely benign. Review status: criteria provided, multiple submitters, no conflicts (2 of 4 stars). 6 submissions from 4 submitters: Benign (5); Likely benign (1). Last evaluated 2021-12-05.

Conditions:
ANO5-Related Muscle Diseases. Identifiers: MedGen CN180644.
Miyoshi muscular dystrophy 3 (MMD3). Also called: Miyoshi Muscular Dystrophy 3 (MMD3); Miyoshi myopathy 3. Identifiers: Orphanet 399096, MedGen C2750076, MONDO:0013222, OMIM 613319.
Gnathodiaphyseal dysplasia (GDD). Also called: GNATHODIAPHYSEAL SCLEROSIS; OSTEOGENESIS IMPERFECTA WITH UNUSUAL SKELETAL LESIONS. Identifiers: Orphanet 53697, MedGen C1833736, MONDO:0008151, OMIM 166260.
Autosomal recessive limb-girdle muscular dystrophy type 2L (LGMDR12). Also called: Limb-girdle muscular dystrophy, type 2L; Limb-Girdle Muscular Dystrophy R12 Anoctamin-5-Related (LGMD-R12); MUSCULAR DYSTROPHY, LIMB-GIRDLE, AUTOSOMAL RECESSIVE 12. Identifiers: Orphanet 206549, MedGen C1969785, MONDO:0012652, OMIM 611307.

Allele frequency attached by ClinVar (database versions not stated): 1000 Genomes Project 0.06150; TOPMed 0.06628; 1000 Genomes Project 30x 0.06808.
gnomAD v4.1: 16,161 of 1,175,138 alleles (1.4%); highest among the groups gnomAD compares: African/African-American, 23%; 1,551 homozygotes.

Submissions (6):

Genome-Nilou Lab
Classification: Benign for Gnathodiaphyseal dysplasia. Last evaluated: 2021-12-05. Review status: criteria provided, single submitter. Criteria: ACMG Guidelines, 2015. Collection method: clinical testing. Allele origin: germline. Affected: no.

Genome-Nilou Lab
Classification: Benign for Miyoshi muscular dystrophy 3. Last evaluated: 2021-12-05. Review status: criteria provided, single submitter. Criteria: ACMG Guidelines, 2015. Collection method: clinical testing. Allele origin: germline. Affected: no.

Genome-Nilou Lab
Classification: Benign for Autosomal recessive limb-girdle muscular dystrophy type 2L. Last evaluated: 2021-12-05. Review status: criteria provided, single submitter. Criteria: ACMG Guidelines, 2015. Collection method: clinical testing. Allele origin: germline. Affected: no.

GeneDx
Classification: Benign. Last evaluated: 2018-06-18. Review status: criteria provided, single submitter. Criteria: GeneDx Variant Classification (06012015). Collection method: clinical testing. Allele origin: germline. Affected: yes.
Comment: This variant is considered likely benign or benign based on one or more of the following criteria: it is a conservative change, it occurs at a poorly conserved position in the protein, it is predicted to be benign by multiple in silico algorithms, and/or has population frequency not consistent with disease.

Illumina Laboratory Services, Illumina
Classification: Benign for ANO5-Related Muscle Diseases. Last evaluated: 2018-01-12. Review status: criteria provided, single submitter. Criteria: ICSL Variant Classification Criteria 13 December 2019. Collection method: clinical testing. Allele origin: germline.
Comment: This variant was observed in the ICSL laboratory as part of a predisposition screen in an ostensibly healthy population. It had not been previously curated by ICSL or reported in the Human Gene Mutation Database (HGMD: prior to June 1st, 2018), and was therefore a candidate for classification through an automated scoring system. Utilizing variant allele frequency, disease prevalence and penetrance estimates, and inheritance mode, an automated score was calculated to assess if this variant is too frequent to cause the disease. Based on the score and internal cut-off values, a variant classified as benign is not then subjected to further curation. The score for this variant resulted in a classification of benign for this disease.

Breakthrough Genomics
Classification: Likely benign. Review status: criteria provided, single submitter. Criteria: ACMG Guidelines, 2015. Collection method: not provided. Allele origin: germline. Inheritance: Autosomal recessive inheritance. Affected: yes.